The following is an entry in ClinVar:

NM_000047.3(ARSL):c.23+353A>C

Gene: ARSL (arylsulfatase L; minus strand). Cytogenetic location: Xp22.33.
Variant type: single nucleotide variant.
Coding change: c.23+353A>C on transcript NM_000047.3 (MANE Select); 353 bases into the intron after coding-DNA position 23, A replaced by C.
Molecular consequence: intron variant.
Genome position (GRCh38, 1-based): chrX:2,960,025, T>G on the plus strand (A>C on the coding strand, the complement: ARSL is on the minus strand). VCF-style: chrX-2960025-T-G. GRCh37 (hg19) VCF-style: chrX-2878066-T-G.
Other names: c.-188-137A>C (NM_001282628.2, NM_001369080.1); c.23+353A>C (NM_001282631.2); c.50+353A>C (NM_001369079.1).
Identifiers: ClinVar variation 673896 (VCV000673896.1), dbSNP rs746459030, ClinGen allele CA325986440.

ClinVar aggregate classification (germline): Likely benign (1 of 4 stars; one submission).

Allele frequency attached by ClinVar (database versions not stated): gnomAD exomes 0.00085; gnomAD 0.00640 and 0.00681; TOPMed 0.00776; 1000 Genomes Project 30x 0.00791; 1000 Genomes Project 0.00795.
gnomAD v4.1: 764 of 205,054 alleles (0.37%); highest among the groups gnomAD compares: African/African-American, 2.2%; 6 homozygotes.

Submission:

GeneDx
Classification: Likely benign. Last evaluated: 2018-06-17. Review status: criteria provided, single submitter. Criteria: GeneDx Variant Classification (06012015). Collection method: clinical testing. Allele origin: germline. Affected: yes.
Comment: This variant is considered likely benign or benign based on one or more of the following criteria: it is a conservative change, it occurs at a poorly conserved position in the protein, it is predicted to be benign by multiple in silico algorithms, and/or has population frequency not consistent with disease.